The following is an entry in ClinVar:

ClinVar aggregate classification (germline): Likely benign (1 of 4 stars; one submission).

Allele frequency attached by ClinVar (database versions not stated): 1000 Genomes Project 0.00140; 1000 Genomes Project 30x 0.00141; gnomAD 0.00220; ExAC 0.00230; TOPMed 0.00237; ESP Exome Variant Server 0.00269; gnomAD exomes 0.00279.
gnomAD v4.1: 4,456 of 1,614,134 alleles (0.28%); highest among the groups gnomAD compares: Middle Eastern, 0.35%; 17 homozygotes.

Submission:

CeGaT Center for Human Genetics Tuebingen
Classification: Likely benign. Last evaluated: 2022-06-01. Review status: criteria provided, single submitter. Criteria: CeGaT Center For Human Genetics Tuebingen Variant Classification Criteria Version 2. Collection method: clinical testing. Allele origin: germline. Affected: yes. Observed: 1 variant allele.
Comment: EIF2D: BP4, BP7

NM_006893.3(EIF2D):c.1050G>A (p.Pro350=)

Gene: EIF2D (eukaryotic translation initiation factor 2D; minus strand). Cytogenetic location: 1q32.1.
Variant type: single nucleotide variant.
Coding change: c.1050G>A on transcript NM_006893.3 (MANE Select); coding-DNA position 1050, G replaced by A.
Protein change: p.Pro350=; no amino-acid change (proline 350 retained).
Molecular consequence: synonymous variant.
Genome position (GRCh38, 1-based): chr1:206,599,735, C>T on the plus strand (G>A on the coding strand, the complement: EIF2D is on the minus strand). VCF-style: chr1-206599735-C-T. GRCh37 (hg19) VCF-style: chr1-206773089-C-T.
Other names: c.678G>A, p.Pro226= (NM_001201478.2).
Identifiers: ClinVar variation 2639862 (VCV002639862.24), dbSNP rs41274816, ClinGen allele CA1362583.